The following is an entry in ClinVar:

ClinVar aggregate classification (germline): Likely pathogenic (1 of 4 stars; one submission).

Conditions:
Hereditary cancer-predisposing syndrome. Also called: Hereditary neoplastic syndrome; Neoplastic Syndromes, Hereditary; Tumor predisposition; Hereditary Cancer Syndrome. Identifiers: Orphanet 140162, MedGen C0027672, MeSH D009386, MONDO:0015356.

Submission:

Ambry Genetics
Classification: Likely pathogenic for Hereditary cancer-predisposing syndrome. Last evaluated: 2025-01-03. Review status: criteria provided, single submitter. Criteria: Ambry Variant Classification Scheme 2023. Collection method: clinical testing. Allele origin: germline.
Comment: The c.1141-1G>A intronic variant results from a G to A substitution one nucleotide upstream from coding exon 8 of the BRIP1 gene. This nucleotide position is highly conserved in available vertebrate species. In silico splice site analysis predicts that this alteration will weaken the native splice acceptor site and will result in the creation or strengthening of a novel splice acceptor site. This variant is considered to be rare based on population cohorts in the Genome Aggregation Database (gnomAD). Alterations that disrupt the canonical splice site are expected to cause aberrant splicing, resulting in an abnormal protein or a transcript that is subject to nonsense-mediated mRNA decay. As such, this alteration is classified as likely pathogenic.

NM_032043.3(BRIP1):c.1141-1G>A

Gene: BRIP1 (BRCA1 interacting DNA helicase 1; minus strand). Cytogenetic location: 17q23.2.
Variant type: single nucleotide variant.
Coding change: c.1141-1G>A on transcript NM_032043.3 (MANE Select); the canonical splice acceptor site of the intron before coding-DNA position 1141, G replaced by A.
Molecular consequence: splice acceptor variant.
Genome position (GRCh38, 1-based): chr17:61,799,300, C>T on the plus strand (G>A on the coding strand, the complement: BRIP1 is on the minus strand). VCF-style: chr17-61799300-C-T. GRCh37 (hg19) VCF-style: chr17-59876661-C-T.
Identifiers: ClinVar variation 3825665 (VCV003825665.1).